The following is an entry in ClinVar:

NM_012418.4(FSCN2):c.1411G>A (p.Gly471Ser)

Gene: FSCN2 (fascin actin-bundling protein 2, retinal; plus strand). Cytogenetic location: 17q25.3.
Variant type: single nucleotide variant.
Coding change: c.1411G>A on transcript NM_012418.4 (MANE Select); coding-DNA position 1411, G replaced by A.
Protein change: p.Gly471Ser; replaces glycine 471 with serine.
Molecular consequence: missense variant.
Genome position (GRCh38, 1-based): chr17:81,537,012, G>A. VCF-style: chr17-81537012-G-A. GRCh37 (hg19) VCF-style: chr17-79504038-G-A.
Other names: c.1483G>A, p.Gly495Ser (NM_001077182.3); short protein forms G495S, G471S.
Identifiers: ClinVar variation 972634 (VCV000972634.10), dbSNP rs761543844, ClinGen allele CA8837139.

ClinVar aggregate classification (germline): Uncertain significance. Review status: criteria provided, multiple submitters, no conflicts (2 of 4 stars). 2 submissions from 2 submitters: Uncertain significance (2). Last evaluated 2025-11-07.

Allele frequency attached by ClinVar (database versions not stated): TOPMed 0.00001.
gnomAD v4.1: 11 of 1,506,710 alleles (0.00073%); highest among the groups gnomAD compares: Admixed American, 0.017%; no homozygotes.

Submissions (2):

Labcorp Genetics (formerly Invitae), Labcorp
Classification: Uncertain significance. Last evaluated: 2025-11-07. Review status: criteria provided, single submitter. Criteria: Invitae Variant Classification Sherloc (09022015). Collection method: clinical testing. Allele origin: germline.
Comment: This sequence change replaces glycine, which is neutral and non-polar, with serine, which is neutral and polar, at codon 495 of the FSCN2 protein (p.Gly495Ser). This variant is present in population databases (rs761543844, gnomAD 0.03%). This variant has not been reported in the literature in individuals affected with FSCN2-related conditions. ClinVar contains an entry for this variant (Variation ID: 972634). An algorithm developed to predict the effect of missense changes on protein structure and function (PolyPhen-2) suggests that this variant is likely to be disruptive. In summary, the available evidence is currently insufficient to determine the role of this variant in disease. Therefore, it has been classified as a Variant of Uncertain Significance.

Ambry Genetics
Classification: Uncertain significance. Last evaluated: 2025-08-21. Review status: criteria provided, single submitter. Criteria: Ambry Variant Classification Scheme 2023. Collection method: clinical testing. Allele origin: germline.